The following is an entry in ClinVar:

ClinVar aggregate classification (germline): Uncertain significance (1 of 4 stars; one submission).

Submission:

Women's Health and Genetics/Laboratory Corporation of America, LabCorp
Classification: Uncertain significance. Last evaluated: 2025-09-30. Review status: criteria provided, single submitter. Criteria: LabCorp Variant Classification Summary - May 2015. Collection method: clinical testing. Allele origin: germline.
Comment: Variant summary: BTK c.1212_1214delCTT (p.Phe404del) results in an in-frame deletion that is predicted to remove one amino acid from the encoded protein. The variant was absent in 183474 control chromosomes (gnomAD). c.1212_1214delCTT has been observed in individual affected with X-linked agammaglobulinemia (Conley_1998). These data indicate that the variant may be associated with disease. To our knowledge, no experimental evidence demonstrating an impact on protein function has been reported. The following publication has been ascertained in the context of this evaluation (PMID: 9545398). No submitters have cited clinical-significance assessments for this variant to ClinVar. Based on the evidence outlined above, the variant was classified as VUS-possibly pathogenic.

Literature cited by the submitters: PubMed 9545398.

NM_000061.3(BTK):c.1209CTT[1] (p.Phe404del)

Gene: BTK (Bruton tyrosine kinase; minus strand). Cytogenetic location: Xq22.1.
Variant type: Microsatellite.
Coding change: c.1209CTT[1] on transcript NM_000061.3 (MANE Select); one copy of the 3-base unit CTT starting at c.1209; the reference has two copies in a row; one copy, 3 bases deleted.
Protein change: p.Phe404del; deletes phenylalanine 404.
Molecular consequence: inframe deletion. On other transcripts: intron variant (1).
Genome position (GRCh38, 1-based): chrX:101,356,919-101,356,921, AAG deleted on the plus strand (CTT on the coding strand, the reverse complement: BTK is on the minus strand); deleting any 3 consecutive bases within chrX:101,356,919-101,356,924 gives the same sequence; the position shown is the placement nearest the transcript's 3' end. VCF-style (leftmost placement, unchanged base first): chrX-101356918-CAAG-C. GRCh37 (hg19) VCF-style: chrX-100611906-CAAG-C.
Other names: c.1212_1214delCTT (NM_000061.3); c.1311CTT[1], p.Phe438del (NM_001287344.2); c.1038+1453_1038+1455del (NM_001287345.2); short protein forms F404del, F438del.
Identifiers: ClinVar variation 4536098 (VCV004536098.1).